The following is an entry in ClinVar:

NM_020433.5(JPH2):c.793A>G (p.Ser265Gly)

Gene: JPH2 (junctophilin 2; minus strand). Cytogenetic location: 20q13.12.
Variant type: single nucleotide variant.
Coding change: c.793A>G on transcript NM_020433.5 (MANE Select); coding-DNA position 793, A replaced by G.
Protein change: p.Ser265Gly; replaces serine 265 with glycine.
Molecular consequence: missense variant.
Genome position (GRCh38, 1-based): chr20:44,159,994, T>C on the plus strand (A>G on the coding strand, the complement: JPH2 is on the minus strand). VCF-style: chr20-44159994-T-C. GRCh37 (hg19) VCF-style: chr20-42788634-T-C.
Other names: short protein forms S265G.
Identifiers: ClinVar variation 2747714 (VCV002747714.3), dbSNP rs2515744698, ClinGen allele CA409093659.
Genomic context (GRCh38, chr20:44,159,994, plus strand): 5'-CGTCGATATCGGCCTCGAAGGGTGCGGCCTCGTCGGCGCCCTCGGCGGCCTCTCCCAGGC[T>C]GGCGGTGGACGCGGCGTCGCTGGCGCCCGAGCTGAGGTCGCTCTTAAGGAAGCTGACACG-3'
Protein context (NP_065166.2, residues 255-275): SGASDAASTA[Ser265Gly]LGEAAEGADE

ClinVar aggregate classification (germline): Uncertain significance (1 of 4 stars; one submission).

Conditions:
Hypertrophic cardiomyopathy. Also called: HYPERTROPHIC MYOCARDIOPATHY. Identifiers: Orphanet 217569, MedGen C0007194, MeSH D002312, MONDO:0005045, HP:0001639.

Submission:

Labcorp Genetics (formerly Invitae), Labcorp
Classification: Uncertain significance for Hypertrophic cardiomyopathy. Last evaluated: 2023-07-28. Review status: criteria provided, single submitter. Criteria: Invitae Variant Classification Sherloc (09022015). Collection method: clinical testing. Allele origin: germline.
Comment: This sequence change replaces serine, which is neutral and polar, with glycine, which is neutral and non-polar, at codon 265 of the JPH2 protein (p.Ser265Gly). This variant is not present in population databases (gnomAD no frequency). This variant has not been reported in the literature in individuals affected with JPH2-related conditions. An algorithm developed to predict the effect of missense changes on protein structure and function (PolyPhen-2) suggests that this variant is likely to be disruptive. In summary, the available evidence is currently insufficient to determine the role of this variant in disease. Therefore, it has been classified as a Variant of Uncertain Significance.